The following is an entry in ClinVar:

ClinVar aggregate classification (germline): Uncertain significance (1 of 4 stars; one submission).

Conditions:
Hereditary cancer-predisposing syndrome. Also called: Tumor predisposition; Hereditary Cancer Syndrome; Hereditary neoplastic syndrome; Neoplastic Syndromes, Hereditary. Identifiers: Orphanet 140162, MedGen C0027672, MeSH D009386, MONDO:0015356.

Submission:

Labcorp Genetics (formerly Invitae), Labcorp
Classification: Uncertain significance for Hereditary cancer-predisposing syndrome. Last evaluated: 2020-12-23. Review status: criteria provided, single submitter. Criteria: Invitae Variant Classification Sherloc (09022015). Collection method: clinical testing. Allele origin: germline.
Comment: Algorithms developed to predict the effect of missense changes on protein structure and function (SIFT, PolyPhen-2, Align-GVGD) all suggest that this variant is likely to be tolerated, but these predictions have not been confirmed by published functional studies and their clinical significance is uncertain. This sequence change replaces leucine with methionine at codon 881 of the RAD50 protein (p.Leu881Met). The leucine residue is moderately conserved and there is a small physicochemical difference between leucine and methionine. This variant is not present in population databases (ExAC no frequency). This variant has not been reported in the literature in individuals with RAD50-related conditions. In summary, the available evidence is currently insufficient to determine the role of this variant in disease. Therefore, it has been classified as a Variant of Uncertain Significance.

NM_005732.4(RAD50):c.2641T>A (p.Leu881Met)

Gene: RAD50 (RAD50 double strand break repair protein; plus strand). Cytogenetic location: 5q31.1.
Variant type: single nucleotide variant.
Coding change: c.2641T>A on transcript NM_005732.4 (MANE Select); coding-DNA position 2641, T replaced by A.
Protein change: p.Leu881Met; replaces leucine 881 with methionine.
Molecular consequence: missense variant.
Genome position (GRCh38, 1-based): chr5:132,604,922, T>A. VCF-style: chr5-132604922-T-A. GRCh37 (hg19) VCF-style: chr5-131940614-T-A.
Other names: short protein forms L881M.
Identifiers: ClinVar variation 1468586 (VCV001468586.8), dbSNP rs1478966321, ClinGen allele CA360956688.